The following is an entry in ClinVar:

ClinVar aggregate classification (germline): Pathogenic. Review status: criteria provided, multiple submitters, no conflicts (2 of 4 stars). 3 submissions from 3 submitters: Pathogenic (3). Last evaluated 2024-07-23.

Conditions:
KBG syndrome (KBGS). Also called: ANKRD11-Related KBG Syndrome. Identifiers: Orphanet 2332, MedGen C0220687, MONDO:0007846, OMIM 148050.

Submissions (3):

Labcorp Genetics (formerly Invitae), Labcorp
Classification: Pathogenic for KBG syndrome. Last evaluated: 2024-07-23. Review status: criteria provided, single submitter. Criteria: Invitae Variant Classification Sherloc (09022015). Collection method: clinical testing. Allele origin: germline.
Comment: This sequence change creates a premature translational stop signal (p.Arg493Glyfs*85) in the ANKRD11 gene. It is expected to result in an absent or disrupted protein product. Loss-of-function variants in ANKRD11 are known to be pathogenic (PMID: 21782149, 25125236, 25413698, 25652421). This variant is not present in population databases (gnomAD no frequency). This variant has not been reported in the literature in individuals affected with ANKRD11-related conditions. ClinVar contains an entry for this variant (Variation ID: 818017). For these reasons, this variant has been classified as Pathogenic.

3billion
Classification: Pathogenic for KBG syndrome. Last evaluated: 2022-01-03. Review status: criteria provided, single submitter. Criteria: ACMG Guidelines, 2015. Collection method: clinical testing. Allele origin: germline. Affected: yes. Observed: 1 heterozygote.
Comment: Frameshift: predicted to result in a loss or disruption of normal protein function through nonsense-mediated decay (NMD) or protein truncation. Multiple pathogenic variants are reported downstream of the variant (PVS1_VS). It is not observed in the gnomAD v2.1.1 dataset (PM2_M). The variant has been reported to be associated with ANKRD11 related disorder (ClinVar ID: VCV000818017). Therefore, this variant is classified as pathogenic according to the recommendation of ACMG/AMP guideline.

GeneDx
Classification: Pathogenic. Last evaluated: 2019-02-06. Review status: criteria provided, single submitter. Criteria: GeneDx Variant Classification (06012015). Collection method: clinical testing. Allele origin: germline. Affected: yes.
Comment: The c.1477_1478delAG pathogenic variant in the ANKRD11 gene causes a frameshift starting with codon Arginine 493, changes this amino acid to a Glycine residue and creates a premature Stop codon at position 85 of the new reading frame, denoted p.Arg493GlyfsX85. This pathogenic variant is predicted to cause loss of normal protein function either through protein truncation or nonsense-mediated mRNA decay. The c.1477_1478delAG variant is not observed in large population cohorts (Lek et al., 2016). Although this variant has not been previously reported to our knowledge, it is considered a pathogenic variant.

Literature cited by the submitters: PubMed 21782149 (cited by Labcorp Genetics (formerly Invitae), Labcorp); PubMed 25125236 (cited by Labcorp Genetics (formerly Invitae), Labcorp); PubMed 25413698 (cited by Labcorp Genetics (formerly Invitae), Labcorp); PubMed 25652421 (cited by Labcorp Genetics (formerly Invitae), Labcorp).

NM_013275.6(ANKRD11):c.1477_1478del (p.Arg493fs)

Gene: ANKRD11 (ankyrin repeat domain 11; minus strand). Cytogenetic location: 16q24.3.
Variant type: Deletion.
Coding change: c.1477_1478del on transcript NM_013275.6 (MANE Select); coding-DNA positions 1477 to 1478, 2 bases deleted (AG; older notation c.1477_1478delAG).
Protein change: p.Arg493fs; shifts the reading frame from arginine 493.
Molecular consequence: frameshift variant.
Genome position (GRCh38, 1-based): chr16:89,285,064-89,285,065, CT deleted on the plus strand (AG on the coding strand, the reverse complement: ANKRD11 is on the minus strand). VCF-style (leftmost placement, unchanged base first): chr16-89285063-CCT-C. GRCh37 (hg19) VCF-style: chr16-89351471-CCT-C.
Other names: c.1477_1478del, p.Arg493fs (NM_001256182.2, NM_001256183.2); short protein forms R493fs.
Identifiers: ClinVar variation 818017 (VCV000818017.4), dbSNP rs1597464360, ClinGen allele CA915949403.
Genomic context (GRCh38, chr16:89,285,063, plus strand): 5'-GGAGGGGTCCTTCAGCACCAGCGGGGACCCCTTGAGGCAGCCAGAGCTCCCCAGAGAGTC[CCT>C]GTCATCCTCCCCACTCTCTGAGGACTCGCTCTCCGACTCCGAGGAGCAGAACTTGTCGCT-3'